The following is an entry in ClinVar:

NM_012079.6(DGAT1):c.1104G>T (p.Glu368Asp)

Gene: DGAT1 (diacylglycerol O-acyltransferase 1; minus strand). Cytogenetic location: 8q24.3.
Variant type: single nucleotide variant.
Coding change: c.1104G>T on transcript NM_012079.6 (MANE Select); coding-DNA position 1104, G replaced by T.
Protein change: p.Glu368Asp; replaces glutamic acid 368 with aspartic acid.
Molecular consequence: missense variant.
Genome position (GRCh38, 1-based): chr8:144,317,243, C>A on the plus strand (G>T on the coding strand, the complement: DGAT1 is on the minus strand). VCF-style: chr8-144317243-C-A. GRCh37 (hg19) VCF-style: chr8-145540906-C-A.
Other names: short protein forms E368D.
Identifiers: ClinVar variation 2069955 (VCV002069955.4), dbSNP rs2488948918, ClinGen allele CA372608657.

ClinVar aggregate classification (germline): Uncertain significance (1 of 4 stars; one submission).

Submission:

Labcorp Genetics (formerly Invitae), Labcorp
Classification: Uncertain significance. Last evaluated: 2022-01-02. Review status: criteria provided, single submitter. Criteria: Invitae Variant Classification Sherloc (09022015). Collection method: clinical testing. Allele origin: germline.
Comment: This variant is not present in population databases (gnomAD no frequency). In summary, the available evidence is currently insufficient to determine the role of this variant in disease. Therefore, it has been classified as a Variant of Uncertain Significance. Algorithms developed to predict the effect of missense changes on protein structure and function (SIFT, PolyPhen-2, Align-GVGD) all suggest that this variant is likely to be tolerated. This variant has not been reported in the literature in individuals affected with DGAT1-related conditions. This sequence change replaces glutamic acid, which is acidic and polar, with aspartic acid, which is acidic and polar, at codon 368 of the DGAT1 protein (p.Glu368Asp).